The following is an entry in ClinVar:

NM_000096.4(CP):c.229G>C (p.Asp77His)

Gene: CP (ceruloplasmin; minus strand). Cytogenetic location: 3q25.1.
Variant type: single nucleotide variant.
Coding change: c.229G>C on transcript NM_000096.4 (MANE Select); coding-DNA position 229, G replaced by C.
Protein change: p.Asp77His; replaces aspartic acid 77 with histidine.
Molecular consequence: missense variant. On other transcripts: non-coding transcript variant (1).
Genome position (GRCh38, 1-based): chr3:149,212,616, C>G on the plus strand (G>C on the coding strand, the complement: CP is on the minus strand). VCF-style: chr3-149212616-C-G. GRCh37 (hg19) VCF-style: chr3-148930403-C-G.
Other names: D58H; short protein forms D77H.
Identifiers: ClinVar variation 42050 (VCV000042050.14), dbSNP rs200683433, ClinGen allele CA344479.

ClinVar aggregate classification (germline): Conflicting classifications of pathogenicity. Review status: criteria provided, conflicting classifications (1 of 4 stars). 4 submissions from 4 submitters: Uncertain significance (2); Likely benign (1). 1 of the submissions does not count toward it. Last evaluated 2025-04-22.

Conditions:
Deficiency of ferroxidase (ACEP). Also called: Ceruloplasmin deficiency; Familial apoceruloplasmin deficiency; Hereditary ceruloplasmin deficiency; NEURODEGENERATION WITH BRAIN IRON ACCUMULATION 10; Aceruloplasminemia; Deficiency of ceruloplasmin. Identifiers: Orphanet 48818, MedGen C0878682, MONDO:0011426, OMIM 604290, HP:0025498.

Allele frequency attached by ClinVar (database versions not stated): gnomAD 0.00002 and 0.00003; TOPMed 0.00005; gnomAD exomes 0.00014; ExAC 0.00017.
gnomAD v4.1: 106 of 1,614,038 alleles (0.0066%); highest among the groups gnomAD compares: South Asian, 0.065%; no homozygotes.

Submissions (4):

Labcorp Genetics (formerly Invitae), Labcorp
Classification: Likely benign for Deficiency of ferroxidase. Last evaluated: 2025-04-22. Review status: criteria provided, single submitter. Criteria: Invitae Variant Classification Sherloc (09022015). Collection method: clinical testing. Allele origin: germline.

Women's Health and Genetics/Laboratory Corporation of America, LabCorp
Classification: Uncertain significance. Last evaluated: 2023-02-08. Review status: criteria provided, single submitter. Criteria: LabCorp Variant Classification Summary - May 2015. Collection method: clinical testing. Allele origin: germline.
Comment: Variant summary: CP c.229G>C (p.Asp77His) results in a non-conservative amino acid change in the encoded protein sequence. Five of five in-silico tools predict a damaging effect of the variant on protein function. The variant allele was found at a frequency of 0.00014 in 251164 control chromosomes. This frequency is not significantly higher than estimated for a pathogenic variant in CP causing Neurodegeneration With Brain Iron Accumulation (0.00014 vs 0.00019), allowing no conclusion about variant significance. c.229G>C has been reported in the literature as a presumably compound heterozygous genotype and as a non-informative genotype (second allele not specified) in at-least two individuals affected with Iron overload/Aceruloplasminemia (example, PMID: 17710675, cited in 32235485). These data do not allow any conclusion about variant significance. To our knowledge, no direct experimental evidence demonstrating an impact on protein function has been reported. Although one study characterized the variant as functionally incompetent by testing its ability to prevent ferroportin degradation in rat glioma C6 cells silenced for endogenous ceruloplasmin (example, PMID: 19095659). But the data as presented is not quantifiable into residual activity. Two clinical diagnostic laboratories have submitted clinical-significance assessments for this variant to ClinVar after 2014 without evidence for independent evaluation. All laboratories classified the variant as uncertain significance. Based on the evidence outlined above, the variant was classified as uncertain significance.

Illumina Laboratory Services, Illumina
Classification: Uncertain significance for Deficiency of ferroxidase. Last evaluated: 2017-04-28. Review status: criteria provided, single submitter. Criteria: ICSL Variant Classification Criteria 13 December 2019. Collection method: clinical testing. Allele origin: germline.
Comment: This variant was observed as part of a predisposition screen in an ostensibly healthy population. A literature search was performed for the gene, cDNA change, and amino acid change (where applicable). Publications were found based on this search. However, the evidence from the literature, in combination with allele frequency data from public databases where available, was not sufficient to rule this variant in or out of causing disease. Therefore, this variant is classified as a variant of unknown significance.

GeneReviews
Classification: Pathogenic for Aceruloplasminemia. Last evaluated: 2013-04-18. Review status: no assertion criteria provided. Collection method: curation. Allele origin: unknown. Not counted in ClinVar's aggregate classification.
ClinVar note: Converted during submission from pathologic to Pathogenic.

Literature cited by the submitters: PubMed 32235485 (cited by Women's Health and Genetics/Laboratory Corporation of America, LabCorp); PubMed 19095659 (cited by Women's Health and Genetics/Laboratory Corporation of America, LabCorp and Illumina Laboratory Services, Illumina); PubMed 16629161 (cited by Women's Health and Genetics/Laboratory Corporation of America, LabCorp and Illumina Laboratory Services, Illumina); PubMed 17710675 (cited by Women's Health and Genetics/Laboratory Corporation of America, LabCorp).